The following is an entry in ClinVar:

NM_006244.4(PPP2R5B):c.841G>A (p.Val281Ile)

Gene: PPP2R5B (protein phosphatase 2 regulatory subunit B'beta; plus strand). Cytogenetic location: 11q13.1.
Variant type: single nucleotide variant.
Coding change: c.841G>A on transcript NM_006244.4 (MANE Select); coding-DNA position 841, G replaced by A.
Protein change: p.Val281Ile; replaces valine 281 with isoleucine.
Molecular consequence: missense variant.
Genome position (GRCh38, 1-based): chr11:64,930,539, G>A. VCF-style: chr11-64930539-G-A. GRCh37 (hg19) VCF-style: chr11-64698011-G-A.
Other names: short protein forms V281I.
Identifiers: ClinVar variation 3782699 (VCV003782699.2).

ClinVar aggregate classification (germline): Uncertain significance. Review status: criteria provided, multiple submitters, no conflicts (2 of 4 stars). 2 submissions from 2 submitters: Uncertain significance (2). Last evaluated 2025-02-26.

gnomAD v4.1: 88 of 1,614,044 alleles (0.0055%); highest among the groups gnomAD compares: African/African-American, 0.036%; no homozygotes.

Submissions (2):

Labcorp Genetics (formerly Invitae), Labcorp
Classification: Uncertain significance. Last evaluated: 2025-02-26. Review status: criteria provided, single submitter. Criteria: Invitae Variant Classification Sherloc (09022015). Collection method: clinical testing. Allele origin: germline.
Comment: This sequence change replaces valine, which is neutral and non-polar, with isoleucine, which is neutral and non-polar, at codon 281 of the PPP2R5B protein (p.Val281Ile). This variant is present in population databases (rs148879767, gnomAD 0.03%). This variant has not been reported in the literature in individuals affected with PPP2R5B-related conditions. Invitae Evidence Modeling of protein sequence and biophysical properties (such as structural, functional, and spatial information, amino acid conservation, physicochemical variation, residue mobility, and thermodynamic stability) indicates that this missense variant is not expected to disrupt PPP2R5B protein function with a negative predictive value of 80%. In summary, the available evidence is currently insufficient to determine the role of this variant in disease. Therefore, it has been classified as a Variant of Uncertain Significance.

Ambry Genetics
Classification: Uncertain significance. Last evaluated: 2025-01-08. Review status: criteria provided, single submitter. Criteria: Ambry Variant Classification Scheme 2023. Collection method: clinical testing. Allele origin: germline.